The following is an entry in ClinVar:

ClinVar aggregate classification (germline): Uncertain significance. Review status: criteria provided, multiple submitters, no conflicts (2 of 4 stars). 3 submissions from 3 submitters: Uncertain significance (3). Last evaluated 2020-02-05.

Conditions:
Autosomal recessive ataxia, Beauce type. Also called: Spinocerebellar ataxia, autosomal recessive 8; ATAXIA, RECESSIVE, OF BEAUCE; SYNE1 Deficiency; SYNE1-Related Autosomal Recessive Cerebellar Ataxia. Identifiers: Orphanet 88644, MedGen C1853116, MONDO:0012549, OMIM 610743.

Submissions (3):

Centre for Mendelian Genomics, University Medical Centre Ljubljana
Classification: Uncertain significance for Autosomal recessive ataxia, Beauce type. Last evaluated: 2020-02-05. Review status: criteria provided, single submitter. Criteria: ACMG Guidelines, 2015. Collection method: clinical testing. Allele origin: unknown. Affected: yes.
Comment: This variant was classified as: Uncertain significance. The available evidence on this variant's pathogenicity is insufficient or conflicting. The following ACMG criteria were applied in classifying this variant: PM2,BP4.

Genetic Services Laboratory, University of Chicago
Classification: Uncertain significance. Last evaluated: 2016-03-21. Review status: criteria provided, single submitter. Criteria: ACMG Guidelines, 2015. Collection method: clinical testing. Allele origin: germline. Affected: no.

Breakthrough Genomics
Classification: Uncertain significance. Review status: criteria provided, single submitter. Criteria: ACMG Guidelines, 2015. Collection method: not provided. Allele origin: germline. Inheritance: Autosomal recessive inheritance. Affected: yes.

NM_182961.4(SYNE1):c.17203-5C>A

Gene: SYNE1 (spectrin repeat containing nuclear envelope protein 1; minus strand). Cytogenetic location: 6q25.2.
Variant type: single nucleotide variant.
Coding change: c.17203-5C>A on transcript NM_182961.4 (MANE Select); 5 bases into the intron before coding-DNA position 17203, C replaced by A.
Molecular consequence: intron variant.
Genome position (GRCh38, 1-based): chr6:152,308,637, G>T on the plus strand (C>A on the coding strand, the complement: SYNE1 is on the minus strand). VCF-style: chr6-152308637-G-T. GRCh37 (hg19) VCF-style: chr6-152629772-G-T.
Other names: c.16990-5C>A (NM_033071.5).
Identifiers: ClinVar variation 291077 (VCV000291077.10), dbSNP rs886044642, ClinGen allele CA10607008.